The following is an entry in ClinVar:

ClinVar aggregate classification (germline): Uncertain significance (1 of 4 stars; one submission).

Conditions:
Acute myeloid leukemia (AML). Also called: Acute myeloid leukemia, adult; AML adult; Acute non-lymphocytic leukemia; Acute granulocytic leukemia; Leukemia, acute myeloid, somatic; Leukemia, acute myelogenous, somatic. Identifiers: Orphanet 519, MedGen C0023467, MeSH D015470, MONDO:0018874, OMIM 601626, HP:0004808. Disease mechanism: Constitutively activated FLT3.

Submission:

Labcorp Genetics (formerly Invitae), Labcorp
Classification: Uncertain significance for Acute myeloid leukemia. Last evaluated: 2019-03-08. Review status: criteria provided, single submitter. Criteria: Invitae Variant Classification Sherloc (09022015). Collection method: clinical testing. Allele origin: germline.
Comment: This variant results in a copy number gain of the genomic region encompassing the full coding sequence of the CEBPA gene. The boundaries of this event are unknown as they extend beyond the assayed region for this gene and therefore may encompass additional genes. As the precise location of this event is unknown, it may be in tandem or it may be located elsewhere in the genome. This variant has not been reported in the literature in individuals with CEBPA-related conditions. Experimental studies and prediction algorithms are not available for this variant, and the functional significance of the affected amino acid(s) is currently unknown. In summary, the available evidence is currently insufficient to determine the role of this variant in disease. Therefore, it has been classified as a Variant of Uncertain Significance.

NC_000019.9:g.(?_33792234)_(33793330_?)dup

Genes: CEBPA (CCAAT enhancer binding protein alpha; minus strand), LOC130064183 (ATAC-STARR-seq lymphoblastoid silent region 10495; plus strand). Cytogenetic location: 19q13.11.
Variant type: Duplication.
Identifiers: ClinVar variation 640464 (VCV000640464.2).